The following is an entry in ClinVar:

ClinVar aggregate classification (germline): Uncertain significance (1 of 4 stars; one submission).

Allele frequency attached by ClinVar (database versions not stated): gnomAD exomes 0.00001.

Submission:

Labcorp Genetics (formerly Invitae), Labcorp
Classification: Uncertain significance. Last evaluated: 2024-04-30. Review status: criteria provided, single submitter. Criteria: Invitae Variant Classification Sherloc (09022015). Collection method: clinical testing. Allele origin: germline.
Comment: This sequence change affects the initiator methionine of the CACNA2D4 mRNA. The next in-frame methionine is located at codon 18. This variant is not present in population databases (gnomAD no frequency). This variant has not been reported in the literature in individuals affected with CACNA2D4-related conditions. Experimental studies and prediction algorithms are not available or were not evaluated, and the functional significance of this variant is currently unknown. In summary, the available evidence is currently insufficient to determine the role of this variant in disease. Therefore, it has been classified as a Variant of Uncertain Significance.

NM_172364.5(CACNA2D4):c.3G>T (p.Met1Ile)

Gene: CACNA2D4 (calcium voltage-gated channel auxiliary subunit alpha2delta 4; minus strand). Cytogenetic location: 12p13.33.
Variant type: single nucleotide variant.
Coding change: c.3G>T on transcript NM_172364.5 (MANE Select); coding-DNA position 3, G replaced by T.
Protein change: p.Met1Ile; changes the start codon (methionine 1).
Molecular consequence: missense variant, initiator codon variant.
Genome position (GRCh38, 1-based): chr12:1,918,471, C>A on the plus strand (G>T on the coding strand, the complement: CACNA2D4 is on the minus strand). VCF-style: chr12-1918471-C-A. GRCh37 (hg19) VCF-style: chr12-2027637-C-A.
Other names: short protein forms M1I.
Identifiers: ClinVar variation 2716775 (VCV002716775.3), dbSNP rs2497380724, ClinGen allele CA383366456.